The following is an entry in ClinVar:

ClinVar aggregate classification (germline): Pathogenic (1 of 4 stars; one submission).

Submission:

Labcorp Genetics (formerly Invitae), Labcorp
Classification: Pathogenic. Last evaluated: 2023-08-10. Review status: criteria provided, single submitter. Criteria: Invitae Variant Classification Sherloc (09022015). Collection method: clinical testing. Allele origin: germline.
Comment: For these reasons, this variant has been classified as Pathogenic. This variant has not been reported in the literature in individuals affected with DDX3X-related conditions. This variant is not present in population databases (gnomAD no frequency). This sequence change creates a premature translational stop signal (p.Ala467Metfs*13) in the DDX3X gene. It is expected to result in an absent or disrupted protein product. Loss-of-function variants in DDX3X are known to be pathogenic (PMID: 26235985).

Literature cited by the submitters: PubMed 26235985.

NM_001356.5(DDX3X):c.1399_1400del (p.Ala467fs)

Gene: DDX3X (DEAD-box helicase 3 X-linked; plus strand). Cytogenetic location: Xp11.4.
Variant type: Deletion.
Coding change: c.1399_1400del on transcript NM_001356.5 (MANE Select); coding-DNA positions 1399 to 1400, 2 bases deleted (GC; older notation c.1399_1400delGC).
Protein change: p.Ala467fs; shifts the reading frame from alanine 467.
Molecular consequence: frameshift variant. On other transcripts: non-coding transcript variant (1).
Genome position (GRCh38, 1-based): chrX:41,346,312-41,346,313, GC deleted; deleting any 2 consecutive bases within chrX:41,346,311-41,346,313 gives the same sequence; the c. name uses the placement nearest the transcript's 3' end. VCF-style (leftmost placement, unchanged base first): chrX-41346310-ACG-A. GRCh37 (hg19) VCF-style: chrX-41205563-ACG-A.
Other names: c.1399_1400del, p.Ala467fs (NM_001193416.3); c.1351_1352del, p.Ala451fs (NM_001193417.3); c.841_842del, p.Ala281fs (NM_001363819.1); short protein forms A451fs, A467fs, A281fs.
Identifiers: ClinVar variation 2751710 (VCV002751710.3), dbSNP rs2519523104, ClinGen allele CA2697553028.